The following is an entry in ClinVar:

ClinVar aggregate classification (germline): Uncertain significance (1 of 4 stars; one submission).

Conditions:
Leber congenital amaurosis 3 (LCA3). Also called: SPATA7-Related Retinitis Pigmentosa. Identifiers: MedGen C1858677, MONDO:0011415, OMIM 604232.

Submission:

Labcorp Genetics (formerly Invitae), Labcorp
Classification: Uncertain significance for Leber congenital amaurosis 3. Last evaluated: 2022-07-03. Review status: criteria provided, single submitter. Criteria: Invitae Variant Classification Sherloc (09022015). Collection method: clinical testing. Allele origin: germline.
Comment: In summary, the available evidence is currently insufficient to determine the role of this variant in disease. Therefore, it has been classified as a Variant of Uncertain Significance. Experimental studies and prediction algorithms are not available or were not evaluated, and the functional significance of this variant is currently unknown. This variant has not been reported in the literature in individuals affected with SPATA7-related conditions. This variant results in a copy number gain of the genomic region encompassing exon(s) 11-12 of the SPATA7 gene. This region includes the termination codon of the gene. This copy number gain extends beyond the assayed region for this gene and therefore may encompass additional genes. As the precise location of this event is unknown, it may be in tandem or it may be located elsewhere in the genome.

NC_000014.8:g.(?_88903867)_(88904766_?)dup

Gene: SPATA7 (spermatogenesis associated 7; plus strand). Cytogenetic location: 14q31.3.
Variant type: Duplication.
Identifiers: ClinVar variation 2426471 (VCV002426471.4).